The following is an entry in ClinVar:

NM_001127671.2(LIFR):c.623del (p.Asp208fs)

Gene: LIFR (LIF receptor subunit alpha; minus strand). Cytogenetic location: 5p13.1.
Variant type: Deletion.
Coding change: c.623del on transcript NM_001127671.2 (MANE Select); coding-DNA position 623, one base deleted (A; older notation c.623delA).
Protein change: p.Asp208fs; shifts the reading frame from aspartic acid 208.
Molecular consequence: frameshift variant.
Genome position (GRCh38, 1-based): chr5:38,511,903, T deleted on the plus strand (A on the coding strand, the reverse complement: LIFR is on the minus strand). VCF-style (leftmost placement, unchanged base first): chr5-38511902-AT-A. GRCh37 (hg19) VCF-style: chr5-38512004-AT-A.
Other names: c.623del, p.Asp208fs (NM_001364297.2, NM_001364298.2, NM_002310.6); short protein forms D208fs.
Identifiers: ClinVar variation 960155 (VCV000960155.7), dbSNP rs1745823859, ClinGen allele CA1139658819.

ClinVar aggregate classification (germline): Pathogenic (1 of 4 stars; one submission).

Submission:

Labcorp Genetics (formerly Invitae), Labcorp
Classification: Pathogenic. Last evaluated: 2019-09-21. Review status: criteria provided, single submitter. Criteria: Invitae Variant Classification Sherloc (09022015). Collection method: clinical testing. Allele origin: germline.
Comment: This variant is not present in population databases (ExAC no frequency). This sequence change creates a premature translational stop signal (p.Asp208Valfs*34) in the LIFR gene. It is expected to result in an absent or disrupted protein product. Algorithms developed to predict the effect of sequence changes on RNA splicing suggest that this variant may create or strengthen a splice site, but this prediction has not been confirmed by published transcriptional studies. For these reasons, this variant has been classified as Pathogenic. Loss-of-function variants in LIFR are known to be pathogenic (PMID: 14740318). This variant has not been reported in the literature in individuals with LIFR-related conditions.

Literature cited by the submitters: PubMed 14740318.